The following is an entry in ClinVar:

NM_018417.6(ADCY10):c.1934A>G (p.Glu645Gly)

Gene: ADCY10 (adenylate cyclase 10; minus strand). Cytogenetic location: 1q24.2.
Variant type: single nucleotide variant.
Coding change: c.1934A>G on transcript NM_018417.6 (MANE Select); coding-DNA position 1934, A replaced by G.
Protein change: p.Glu645Gly; replaces glutamic acid 645 with glycine.
Molecular consequence: missense variant.
Genome position (GRCh38, 1-based): chr1:167,856,402, T>C on the plus strand (A>G on the coding strand, the complement: ADCY10 is on the minus strand). VCF-style: chr1-167856402-T-C. GRCh37 (hg19) VCF-style: chr1-167825640-T-C.
Other names: c.1475A>G, p.Glu492Gly (NM_001167749.3); c.1658A>G, p.Glu553Gly (NM_001297772.2); short protein forms E492G, E553G, E645G.
Identifiers: ClinVar variation 1966673 (VCV001966673.5), dbSNP rs1343609498, ClinGen allele CA343089077.

ClinVar aggregate classification (germline): Uncertain significance (1 of 4 stars; one submission).

Allele frequency attached by ClinVar (database versions not stated): gnomAD exomes below 0.00001; TOPMed below 0.00001.
gnomAD v4.1: 3 of 1,614,190 alleles (0.00019%); highest among the groups gnomAD compares: Non-Finnish European, 0.00025%; no homozygotes.

Submission:

Labcorp Genetics (formerly Invitae), Labcorp
Classification: Uncertain significance. Last evaluated: 2025-09-02. Review status: criteria provided, single submitter. Criteria: Invitae Variant Classification Sherloc (09022015). Collection method: clinical testing. Allele origin: germline.
Comment: This sequence change replaces glutamic acid, which is acidic and polar, with glycine, which is neutral and non-polar, at codon 645 of the ADCY10 protein (p.Glu645Gly). This variant is not present in population databases (gnomAD no frequency). This variant has not been reported in the literature in individuals affected with ADCY10-related conditions. ClinVar contains an entry for this variant (Variation ID: 1966673). An algorithm developed to predict the effect of missense changes on protein structure and function (PolyPhen-2) suggests that this variant is likely to be disruptive. In summary, the available evidence is currently insufficient to determine the role of this variant in disease. Therefore, it has been classified as a Variant of Uncertain Significance.